The following is an entry in ClinVar:

NM_001258392.3(CLPB):c.1786-6C>T

Gene: CLPB (ClpB family mitochondrial disaggregase; minus strand). Cytogenetic location: 11q13.4.
Variant type: single nucleotide variant.
Coding change: c.1786-6C>T on transcript NM_001258392.3 (MANE Select); 6 bases into the intron before coding-DNA position 1786, C replaced by T.
Molecular consequence: intron variant.
Genome position (GRCh38, 1-based): chr11:72,293,621, G>A on the plus strand (C>T on the coding strand, the complement: CLPB is on the minus strand). VCF-style: chr11-72293621-G-A. GRCh37 (hg19) VCF-style: chr11-72004665-G-A.
Other names: c.1699-6C>T (NM_001258393.3); c.1876-6C>T (NM_030813.6); c.1741-6C>T (NM_001258394.3).
Identifiers: ClinVar variation 512781 (VCV000512781.14), dbSNP rs191389918, ClinGen allele CA6171027.

ClinVar aggregate classification (germline): Likely benign. Review status: criteria provided, multiple submitters, no conflicts (2 of 4 stars). 4 submissions from 4 submitters: Likely benign (4). Last evaluated 2025-08-07.

Conditions:
CLPB-related disorder. Also called: CLPB-related condition.
3-methylglutaconic aciduria, type VIIB (MGCA7B). Also called: 3-methylglutaconic aciduria, type VII, with cataracts, neurologic involvement and neutropenia; CLPB Deficiency; 3-methylglutaconic aciduria with cataracts, neurologic involvement and neutropenia. Identifiers: Orphanet 445038, MedGen C5676893, MONDO:0014561, OMIM 616271.

Allele frequency attached by ClinVar (database versions not stated): gnomAD 0.00002; gnomAD exomes 0.00002 and 0.00004; ExAC 0.00003; TOPMed 0.00003; 1000 Genomes Project 30x 0.00062.
gnomAD v4.1: 41 of 1,607,352 alleles (0.0026%); highest among the groups gnomAD compares: Middle Eastern, 0.05%; no homozygotes.

Submissions (4):

Labcorp Genetics (formerly Invitae), Labcorp
Classification: Likely benign for 3-methylglutaconic aciduria, type VIIB. Last evaluated: 2025-08-07. Review status: criteria provided, single submitter. Criteria: Invitae Variant Classification Sherloc (09022015). Collection method: clinical testing. Allele origin: germline.

PreventionGenetics, part of Exact Sciences
Classification: Likely benign for CLPB-related condition. Last evaluated: 2025-01-29. Review status: criteria provided, single submitter. Criteria: ACMG Guidelines, 2015. Collection method: clinical testing. Allele origin: germline.
Comment: This variant is classified as likely benign based on ACMG/AMP sequence variant interpretation guidelines (Richards et al. 2015 PMID: 25741868, with internal and published modifications).

Blueprint Genetics
Classification: Likely benign. Last evaluated: 2024-08-27. Review status: criteria provided, single submitter. Criteria: ACMG Guidelines, 2015. Collection method: clinical testing. Allele origin: germline.

GeneDx
Classification: Likely benign. Last evaluated: 2021-09-08. Review status: criteria provided, single submitter. Criteria: GeneDx Variant Classification Process June 2021. Collection method: clinical testing. Allele origin: germline. Affected: yes.